The following is an entry in ClinVar:

ClinVar aggregate classification (germline): Uncertain significance. Review status: criteria provided, multiple submitters, no conflicts (2 of 4 stars). 4 submissions from 4 submitters: Uncertain significance (4). Last evaluated 2023-09-12.

Conditions:
Propionic acidemia (PROP). Also called: GLYCINEMIA, KETOTIC; HYPERGLYCINEMIA WITH KETOACIDOSIS AND LEUKOPENIA; KETOTIC HYPERGLYCINEMIA. Identifiers: Orphanet 35, MedGen C0268579, MONDO:0011628, OMIM 606054, HP:0003571.

Submissions (4):

Labcorp Genetics (formerly Invitae), Labcorp
Classification: Uncertain significance for Propionic acidemia. Last evaluated: 2023-09-12. Review status: criteria provided, single submitter. Criteria: Invitae Variant Classification Sherloc (09022015). Collection method: clinical testing. Allele origin: germline.
Comment: In summary, the available evidence is currently insufficient to determine the role of this variant in disease. Therefore, it has been classified as a Variant of Uncertain Significance. Advanced modeling of protein sequence and biophysical properties (such as structural, functional, and spatial information, amino acid conservation, physicochemical variation, residue mobility, and thermodynamic stability) has been performed at Invitae for this missense variant, however the output from this modeling did not meet the statistical confidence thresholds required to predict the impact of this variant on PCCB protein function. ClinVar contains an entry for this variant (Variation ID: 198741). This variant has not been reported in the literature in individuals affected with PCCB-related conditions. This variant is not present in population databases (gnomAD no frequency). This sequence change replaces aspartic acid, which is acidic and polar, with asparagine, which is neutral and polar, at codon 293 of the PCCB protein (p.Asp293Asn).

3billion
Classification: Uncertain significance for Propionic acidemia. Last evaluated: 2022-09-01. Review status: criteria provided, single submitter. Criteria: ACMG Guidelines, 2015. Collection method: clinical testing. Allele origin: germline. Affected: yes. Observed: 1 heterozygote.
Comment: The variant is not observed in the gnomAD v2.1.1 dataset. In silico tool predictions suggest damaging effect of the variant on gene or gene product (REVEL: 0.76; 3Cnet: 0.63). Therefore, this variant is classified as uncertain significance according to the recommendation of ACMG/AMP guideline.

CeGaT Center for Human Genetics Tuebingen
Classification: Uncertain significance. Last evaluated: 2021-11-01. Review status: criteria provided, single submitter. Criteria: CeGaT Center For Human Genetics Tuebingen Variant Classification Criteria Version 2. Collection method: clinical testing. Allele origin: germline. Affected: yes. Observed: 1 variant allele.

Eurofins Ntd Llc (ga)
Classification: Uncertain significance. Last evaluated: 2015-01-13. Review status: criteria provided, single submitter. Criteria: EGL Classification Definitions 2015. Collection method: clinical testing. Allele origin: germline. Observed: 1 variant allele, 1 homozygote.

NM_000532.5(PCCB):c.877G>A (p.Asp293Asn)

Gene: PCCB (propionyl-CoA carboxylase subunit beta; plus strand). Cytogenetic location: 3q22.3.
Variant type: single nucleotide variant.
Coding change: c.877G>A on transcript NM_000532.5 (MANE Select); coding-DNA position 877, G replaced by A.
Protein change: p.Asp293Asn; replaces aspartic acid 293 with asparagine.
Molecular consequence: missense variant.
Genome position (GRCh38, 1-based): chr3:136,298,065, G>A. VCF-style: chr3-136298065-G-A. GRCh37 (hg19) VCF-style: chr3-136016907-G-A.
Other names: c.937G>A, p.Asp313Asn (NM_001178014.2); short protein forms D293N, D313N.
Identifiers: ClinVar variation 198741 (VCV000198741.43), dbSNP rs183013046, ClinGen allele CA247548.